The following is an entry in ClinVar:

ClinVar aggregate classification (germline): Uncertain significance. Review status: criteria provided, multiple submitters, no conflicts (2 of 4 stars). 2 submissions from 2 submitters: Uncertain significance (2). Last evaluated 2025-10-02.

Conditions:
Inborn genetic diseases. Identifiers: MedGen C0950123, MeSH D030342.
PKD1L1-related disorder. Also called: PKD1L1-related condition.

gnomAD v4.1: 10 of 1,614,102 alleles (0.00062%); highest among the groups gnomAD compares: Non-Finnish European, 0.00076%; no homozygotes.

Submissions (2):

Ambry Genetics
Classification: Uncertain significance for Inborn genetic diseases. Last evaluated: 2025-10-02. Review status: criteria provided, single submitter. Criteria: Ambry Variant Classification Scheme 2023. Collection method: clinical testing. Allele origin: germline.

PreventionGenetics, part of Exact Sciences
Classification: Uncertain significance for PKD1L1-related condition. Last evaluated: 2024-11-10. Review status: criteria provided, single submitter. Criteria: ACMG Guidelines, 2015. Collection method: clinical testing. Allele origin: germline.
Comment: The PKD1L1 c.1336A>G variant is predicted to result in the amino acid substitution p.Met446Val. To our knowledge, this variant has not been reported in the literature or in a large population database (gnomAD), indicating this variant is rare. At this time, the clinical significance of this variant is uncertain due to the absence of conclusive functional and genetic evidence.

NM_138295.5(PKD1L1):c.1336A>G (p.Met446Val)

Gene: PKD1L1 (polycystin 1 like 1, transient receptor potential channel interacting; minus strand). Cytogenetic location: 7p12.3.
Variant type: single nucleotide variant.
Coding change: c.1336A>G on transcript NM_138295.5 (MANE Select); coding-DNA position 1336, A replaced by G.
Protein change: p.Met446Val; replaces methionine 446 with valine.
Molecular consequence: missense variant.
Genome position (GRCh38, 1-based): chr7:47,908,143, T>C on the plus strand (A>G on the coding strand, the complement: PKD1L1 is on the minus strand). VCF-style: chr7-47908143-T-C. GRCh37 (hg19) VCF-style: chr7-47947740-T-C.
Other names: short protein forms M446V.
Identifiers: ClinVar variation 4627780 (VCV004627780.2).
Genomic context (GRCh38, chr7:47,908,143, plus strand): 5'-GATTCACTTGGGAGTCAGCAAAGACAAGCACTTCATCTTCATGGACACTGCTGGAGTTCA[T>C]GAACGCAGACACGGCCTCATGGCCAATCTCCACATAATAAGGCCCAAGCTCCACTTCGGT-3'
Protein context (NP_612152.1, residues 436-456): EIGHEAVSAF[Met446Val]NSSSVHEDEV